The following is an entry in ClinVar:

ClinVar aggregate classification (germline): Likely pathogenic (1 of 4 stars; one submission).

Conditions:
Intellectual developmental disorder, autosomal dominant 68 (MRD68). Also called: MENTAL RETARDATION, AUTOSOMAL DOMINANT 68. Identifiers: MedGen C5677008, MONDO:0030969, OMIM 619934.

Submission:

3billion
Classification: Likely pathogenic for Intellectual developmental disorder, autosomal dominant 68. Last evaluated: 2024-09-11. Review status: criteria provided, single submitter. Criteria: ACMG Guidelines, 2015. Collection method: clinical testing. Allele origin: germline. Affected: yes.
Comment: The variant is not observed in the gnomAD v4.0.0 dataset. Predicted Consequence/Location: Frameshift: predicted to result in a loss or disruption of normal protein function through nonsense-mediated decay (NMD) or protein truncation. Multiple pathogenic variants are reported downstream of the variant. Therefore, this variant is classified as Likely pathogenic according to the recommendation of ACMG/AMP guideline.

NM_014727.3(KMT2B):c.5975dup (p.Asp1992fs)

Gene: KMT2B (lysine methyltransferase 2B; plus strand). Cytogenetic location: 19q13.12.
Variant type: Duplication.
Coding change: c.5975dup on transcript NM_014727.3 (MANE Select); coding-DNA position 5975, one base duplicated (A; older notation c.5975dupA).
Protein change: p.Asp1992fs; shifts the reading frame from aspartic acid 1992.
Molecular consequence: frameshift variant.
Genome position (GRCh38, 1-based): chr19:35,732,524, A duplicated. VCF-style (leftmost placement, unchanged base first): chr19-35732523-G-GA. GRCh37 (hg19) VCF-style: chr19-36223424-G-GA.
Other names: short protein forms D1992fs.
Identifiers: ClinVar variation 4291701 (VCV004291701.1).